The following is an entry in ClinVar:

ClinVar aggregate classification (germline): Conflicting classifications of pathogenicity. Review status: criteria provided, conflicting classifications (1 of 4 stars). 4 submissions from 4 submitters: Uncertain significance (1); Likely benign (3). Last evaluated 2025-09-28.

Conditions:
Inborn genetic diseases. Identifiers: MedGen C0950123, MeSH D030342.
Combined immunodeficiency due to DOCK8 deficiency (HIES2). Also called: Hyper-IgE recurrent infection syndrome, autosomal recessive; HYPER-IgE RECURRENT INFECTION SYNDROME 2, AUTOSOMAL RECESSIVE; HIES autosomal recessive; HYPER-IgE SYNDROME 2, AUTOSOMAL RECESSIVE, WITH RECURRENT INFECTIONS; DOCK8 Deficiency. Identifiers: Orphanet 217390, MedGen C4722305, MONDO:0009478, OMIM 243700.

Allele frequency attached by ClinVar (database versions not stated): gnomAD 0.00002; gnomAD exomes 0.00004 and 0.00006; TOPMed 0.00005; ExAC 0.00007.
gnomAD v4.1: 70 of 1,614,158 alleles (0.0043%); highest among the groups gnomAD compares: Middle Eastern, 0.35%; 1 homozygote.

Submissions (4):

Labcorp Genetics (formerly Invitae), Labcorp
Classification: Likely benign for Combined immunodeficiency due to DOCK8 deficiency. Last evaluated: 2025-09-28. Review status: criteria provided, single submitter. Criteria: Invitae Variant Classification Sherloc (09022015). Collection method: clinical testing. Allele origin: germline.

Ambry Genetics
Classification: Uncertain significance for Inborn genetic diseases. Last evaluated: 2024-05-31. Review status: criteria provided, single submitter. Criteria: Ambry Variant Classification Scheme 2023. Collection method: clinical testing. Allele origin: germline.
Comment: The c.2971-6C>T intronic alteration consists of a C to T substitution 6 nucleotides before coding exon 25 in the DOCK8 gene. Based on insufficient or conflicting evidence, the clinical significance of this alteration remains unclear.

CeGaT Center for Human Genetics Tuebingen
Classification: Likely benign. Last evaluated: 2024-04-01. Review status: criteria provided, single submitter. Criteria: CeGaT Center For Human Genetics Tuebingen Variant Classification Criteria Version 2. Collection method: clinical testing. Allele origin: germline. Affected: yes. Observed: 1 variant allele.
Comment: DOCK8: BP4

GeneDx
Classification: Likely benign. Last evaluated: 2016-03-22. Review status: criteria provided, single submitter. Criteria: GeneDx Variant Classification (06012015). Collection method: clinical testing. Allele origin: germline. Affected: yes.
Comment: This variant is considered likely benign or benign based on one or more of the following criteria: it is a conservative change, it occurs at a poorly conserved position in the protein, it is predicted to be benign by multiple in silico algorithms, and/or has population frequency not consistent with disease.

NM_203447.4(DOCK8):c.2971-6C>T

Gene: DOCK8 (dedicator of cytokinesis 8; plus strand). Cytogenetic location: 9p24.3.
Variant type: single nucleotide variant.
Coding change: c.2971-6C>T on transcript NM_203447.4 (MANE Select); 6 bases into the intron before coding-DNA position 2971, C replaced by T.
Molecular consequence: intron variant.
Genome position (GRCh38, 1-based): chr9:396,779, C>T. VCF-style: chr9-396779-C-T. GRCh37 (hg19) VCF-style: chr9-396779-C-T.
Other names: c.2767-6C>T (NM_001193536.2); c.2671-6C>T (NM_001190458.2).
Identifiers: ClinVar variation 384358 (VCV000384358.32), dbSNP rs773500215, ClinGen allele CA4958452.